The following is an entry in ClinVar:

ClinVar aggregate classification (germline): Uncertain significance. Review status: criteria provided, single submitter (1 of 4 stars). 2 submissions from 2 submitters: Uncertain significance (1). 1 of the submissions does not count toward it. Last evaluated 2026-02-02.

Conditions:
Myoepithelial tumor. Identifiers: MedGen C0027070, MeSH D009208, MONDO:0002380.

Allele frequency attached by ClinVar (database versions not stated): TOPMed 0.00005; gnomAD 0.00001; ExAC 0.00004.
gnomAD v4.1: 28 of 1,593,018 alleles (0.0018%); highest among the groups gnomAD compares: East Asian, 0.025%; no homozygotes.

Submissions (2):

Labcorp Genetics (formerly Invitae), Labcorp
Classification: Uncertain significance. Last evaluated: 2026-02-02. Review status: criteria provided, single submitter. Criteria: Invitae Variant Classification Sherloc (09022015). Collection method: clinical testing. Allele origin: germline.
Comment: This sequence change replaces arginine, which is basic and polar, with cysteine, which is neutral and slightly polar, at codon 2964 of the DCHS1 protein (p.Arg2964Cys). This variant is present in population databases (rs771972771, gnomAD 0.06%). This missense change has been observed in individual(s) with scoliosis (PMID: 32381727). ClinVar contains an entry for this variant (Variation ID: 1801800). Invitae Evidence Modeling of protein sequence and biophysical properties (such as structural, functional, and spatial information, amino acid conservation, physicochemical variation, residue mobility, and thermodynamic stability) indicates that this missense variant is not expected to disrupt DCHS1 protein function with a negative predictive value of 95%. In summary, the available evidence is currently insufficient to determine the role of this variant in disease. Therefore, it has been classified as a Variant of Uncertain Significance.

Caryl and Israel Englander Institute for Precision Medicine, Weill Cornell Medicine
Classification: Uncertain significance for Myoepithelial tumor. Last evaluated: 2022-11-01. Review status: no assertion criteria provided. Collection method: research. Allele origin: somatic. Affected: yes. Not counted in ClinVar's aggregate classification.

Literature cited by the submitters: PubMed 32381727 (cited by Labcorp Genetics (formerly Invitae), Labcorp).

NM_003737.4(DCHS1):c.8890C>T (p.Arg2964Cys)

Gene: DCHS1 (dachsous cadherin-related 1; minus strand). Cytogenetic location: 11p15.4.
Variant type: single nucleotide variant.
Coding change: c.8890C>T on transcript NM_003737.4 (MANE Select); coding-DNA position 8890, C replaced by T.
Protein change: p.Arg2964Cys; replaces arginine 2964 with cysteine.
Molecular consequence: missense variant.
Genome position (GRCh38, 1-based): chr11:6,622,786, G>A on the plus strand (C>T on the coding strand, the complement: DCHS1 is on the minus strand). VCF-style: chr11-6622786-G-A. GRCh37 (hg19) VCF-style: chr11-6644017-G-A.
Other names: short protein forms R2964C.
Identifiers: ClinVar variation 1801800 (VCV001801800.4), dbSNP rs771972771, ClinGen allele CA5859340.